The following is an entry in ClinVar:

ClinVar aggregate classification (germline): Uncertain significance (1 of 4 stars; one submission).

Conditions:
Cardiovascular phenotype. Identifiers: MedGen CN230736.

Allele frequency attached by ClinVar (database versions not stated): ExAC 0.00001; gnomAD 0.00001; gnomAD exomes 0.00001.
gnomAD v4.1: 10 of 1,614,106 alleles (0.00062%); highest among the groups gnomAD compares: Non-Finnish European, 0.00085%; no homozygotes.

Submission:

Ambry Genetics
Classification: Uncertain significance for Cardiovascular phenotype. Last evaluated: 2023-02-23. Review status: criteria provided, single submitter. Criteria: Ambry Variant Classification Scheme 2023. Collection method: clinical testing. Allele origin: germline.
Comment: The p.T307A variant (also known as c.919A>G), located in coding exon 3 of the APOA5 gene, results from an A to G substitution at nucleotide position 919. The threonine at codon 307 is replaced by alanine, an amino acid with similar properties. This amino acid position is conserved. In addition, this alteration is predicted to be tolerated by in silico analysis. Since supporting evidence is limited at this time, the clinical significance of this alteration remains unclear.

NM_001371904.1(APOA5):c.919A>G (p.Thr307Ala)

Gene: APOA5 (apolipoprotein A5; minus strand). Cytogenetic location: 11q23.3.
Variant type: single nucleotide variant.
Coding change: c.919A>G on transcript NM_001371904.1 (MANE Select); coding-DNA position 919, A replaced by G.
Protein change: p.Thr307Ala; replaces threonine 307 with alanine.
Molecular consequence: missense variant.
Genome position (GRCh38, 1-based): chr11:116,790,310, T>C on the plus strand (A>G on the coding strand, the complement: APOA5 is on the minus strand). VCF-style: chr11-116790310-T-C. GRCh37 (hg19) VCF-style: chr11-116661026-T-C.
Other names: c.919A>G, p.Thr307Ala (NM_001166598.2, NM_052968.5); short protein forms T307A.
Identifiers: ClinVar variation 2452822 (VCV002452822.2), dbSNP rs772118863, ClinGen allele CA6288960.